The following is an entry in ClinVar:

ClinVar aggregate classification (germline): Likely benign. Review status: criteria provided, single submitter (1 of 4 stars). 2 submissions from 2 submitters: Likely benign (1). 1 of the submissions does not count toward it. Last evaluated 2026-01-13.

Conditions:
B9D2-related disorder. Also called: B9D2-related condition.
Joubert syndrome. Also called: CEREBELLOPARENCHYMAL DISORDER IV; JOUBERT-BOLTSHAUSER SYNDROME; Familial aplasia of the vermis. Identifiers: Orphanet 475, MedGen C5979921, MONDO:0018772.
Meckel-Gruber syndrome. Also called: DYSENCEPHALIA SPLANCHNOCYSTICA; GRUBER SYNDROME; Dysencephalia splachnocystica. Identifiers: Orphanet 564, MedGen C0265215, MONDO:0018921.

gnomAD v4.1: 8 of 1,614,006 alleles (0.0005%); highest among the groups gnomAD compares: East Asian, 0.018%; no homozygotes.

Submissions (2):

Labcorp Genetics (formerly Invitae), Labcorp
Classification: Likely benign for Joubert syndrome; Meckel-Gruber syndrome. Last evaluated: 2026-01-13. Review status: criteria provided, single submitter. Criteria: Invitae Variant Classification Sherloc (09022015). Collection method: clinical testing. Allele origin: germline.

PreventionGenetics, part of Exact Sciences
Classification: Likely benign for B9D2-related condition. Last evaluated: 2019-02-21. Review status: no assertion criteria provided. Collection method: clinical testing. Allele origin: germline. Not counted in ClinVar's aggregate classification.
Comment: This variant is classified as likely benign based on ACMG/AMP sequence variant interpretation guidelines (Richards et al. 2015 PMID: 25741868, with internal and published modifications).

NM_030578.4(B9D2):c.516C>A (p.Gly172=)

Gene: B9D2 (B9 domain containing 2; minus strand). Cytogenetic location: 19q13.2.
Variant type: single nucleotide variant.
Coding change: c.516C>A on transcript NM_030578.4 (MANE Select); coding-DNA position 516, C replaced by A.
Protein change: p.Gly172=; no amino-acid change (glycine 172 retained).
Molecular consequence: synonymous variant.
Genome position (GRCh38, 1-based): chr19:41,354,712, G>T on the plus strand (C>A on the coding strand, the complement: B9D2 is on the minus strand). VCF-style: chr19-41354712-G-T. GRCh37 (hg19) VCF-style: chr19-41860617-G-T.
Identifiers: ClinVar variation 3047047 (VCV003047047.3), dbSNP rs141578342, ClinGen allele CA9460222.
Genomic context (GRCh38, chr19:41,354,712, plus strand): 5'-ACTGGGTGTCCGGGGTGTGGATGGTGGTGACGTTGGAGGCAGAGTCCCTCAGCACTCCAC[G>T]CCGTAGCGGTCGAAGTTGCGGAGCAGCAGGCCGATCTCCAGGTGCACGGTGCCACCAGCA-3'
Protein context (NP_085055.2, residues 162-175): GLLLRNFDRY[Gly172=]VEC